The following is an entry in ClinVar:

ClinVar aggregate classification (germline): Uncertain significance (1 of 4 stars; one submission).

Conditions:
Hereditary cancer-predisposing syndrome. Also called: Tumor predisposition; Neoplastic Syndromes, Hereditary; Hereditary neoplastic syndrome; Hereditary Cancer Syndrome. Identifiers: Orphanet 140162, MedGen C0027672, MeSH D009386, MONDO:0015356.

Submission:

Ambry Genetics
Classification: Uncertain significance for Hereditary cancer-predisposing syndrome. Last evaluated: 2024-11-07. Review status: criteria provided, single submitter. Criteria: Ambry Variant Classification Scheme 2023. Collection method: clinical testing. Allele origin: germline.
Comment: The p.P554L variant (also known as c.1661C>T), located in coding exon 13 of the TSC1 gene, results from a C to T substitution at nucleotide position 1661. The proline at codon 554 is replaced by leucine, an amino acid with similar properties. This amino acid position is conserved. In addition, this alteration is predicted to be deleterious by in silico analysis. Based on the available evidence, the clinical significance of this variant remains unclear.

NM_000368.5(TSC1):c.1661C>T (p.Pro554Leu)

Gene: TSC1 (TSC complex subunit 1; minus strand). Cytogenetic location: 9q34.13.
Variant type: single nucleotide variant.
Coding change: c.1661C>T on transcript NM_000368.5 (MANE Select); coding-DNA position 1661, C replaced by T.
Protein change: p.Pro554Leu; replaces proline 554 with leucine.
Molecular consequence: missense variant. On other transcripts: non-coding transcript variant (5).
Genome position (GRCh38, 1-based): chr9:132,905,917, G>A on the plus strand (C>T on the coding strand, the complement: TSC1 is on the minus strand). VCF-style: chr9-132905917-G-A. GRCh37 (hg19) VCF-style: chr9-135781304-G-A.
Other names: c.1658C>T, p.Pro553Leu (NM_001162426.2, NM_001406597.1, NM_001406598.1 and 6 more transcripts); c.1508C>T, p.Pro503Leu (NM_001162427.2, NM_001406610.1); c.1298C>T, p.Pro433Leu (NM_001362177.2, NM_001406614.1, NM_001406615.1 and 5 more transcripts); c.1661C>T, p.Pro554Leu (NM_001406592.1, NM_001406593.1, NM_001406594.1 and 7 more transcripts); c.1505C>T, p.Pro502Leu (NM_001406611.1, NM_001406612.1, NM_001406613.1); c.1295C>T, p.Pro432Leu (NM_001406620.1, NM_001406621.1, NM_001406622.1 and 2 more transcripts); c.710C>T, p.Pro237Leu (NM_001406626.1); c.707C>T, p.Pro236Leu (NM_001406627.1, NM_001406628.1); and 1 more; short protein forms P203L, P553L, P554L, P236L, P432L, P502L, P237L, P433L.
Identifiers: ClinVar variation 3462495 (VCV003462495.1).